The following is an entry in ClinVar:

NM_002087.4(GRN):c.332C>T (p.Ser111Phe)

Gene: GRN (granulin precursor; plus strand). Cytogenetic location: 17q21.31.
Variant type: single nucleotide variant.
Coding change: c.332C>T on transcript NM_002087.4 (MANE Select); coding-DNA position 332, C replaced by T.
Protein change: p.Ser111Phe; replaces serine 111 with phenylalanine.
Molecular consequence: missense variant.
Genome position (GRCh38, 1-based): chr17:44,349,734, C>T. VCF-style: chr17-44349734-C-T. GRCh37 (hg19) VCF-style: chr17-42427102-C-T.
Other names: c.332C>T (NM_002087.3); short protein forms S111F.
Identifiers: ClinVar variation 1500364 (VCV001500364.40), dbSNP rs1354832051, ClinGen allele CA399760620.

ClinVar aggregate classification (germline): Uncertain significance. Review status: criteria provided, multiple submitters, no conflicts (2 of 4 stars). 3 submissions from 3 submitters: Uncertain significance (3). Last evaluated 2025-12-23.

Conditions:
GRN-related disorder. Also called: GRN-related condition; GRN-related disorders.
GRN-related frontotemporal lobar degeneration with Tdp43 inclusions (FTD2). Also called: DEMENTIA, HEREDITARY DYSPHASIC DISINHIBITION; GRN Frontotemporal Dementia; FRONTOTEMPORAL DEMENTIA WITH TDP43 INCLUSIONS, GRN-RELATED; FRONTOTEMPORAL LOBAR DEGENERATION WITH UBIQUITIN-POSITIVE INCLUSIONS; FTLD-TDP, GRN-RELATED. Identifiers: Orphanet 100070, Orphanet 282, MedGen C1843792, MONDO:0011842, OMIM 607485. Disease mechanism: loss of function.
Neuronal ceroid lipofuscinosis 11. Also called: GRN-Related Neuronal Ceroid-Lipofuscinosis. Identifiers: Orphanet 314629, Orphanet 79262, MedGen C3539123, MONDO:0013866, OMIM 614706.

Allele frequency attached by ClinVar (database versions not stated): TOPMed below 0.00001.
gnomAD v4.1: 7 of 1,608,908 alleles (0.00044%); highest among the groups gnomAD compares: Middle Eastern, 0.017%; no homozygotes.

Submissions (3):

PreventionGenetics, part of Exact Sciences
Classification: Uncertain significance for GRN-related condition. Last evaluated: 2025-12-23. Review status: criteria provided, single submitter. Criteria: ACMG Guidelines, 2015. Collection method: clinical testing. Allele origin: germline.
Comment: The GRN c.332C>T variant is predicted to result in the amino acid substitution p.Ser111Phe. To our knowledge, this variant has not been reported in the literature. This variant is reported in 0.0018% of alleles in individuals of European (Non-Finnish) descent in gnomAD. At this time, the clinical significance of this variant is uncertain due to the absence of conclusive functional and genetic evidence.

Labcorp Genetics (formerly Invitae), Labcorp
Classification: Uncertain significance for Neuronal ceroid lipofuscinosis 11; GRN-related frontotemporal lobar degeneration with Tdp43 inclusions. Last evaluated: 2025-08-05. Review status: criteria provided, single submitter. Criteria: Invitae Variant Classification Sherloc (09022015). Collection method: clinical testing. Allele origin: germline.
Comment: This sequence change replaces serine, which is neutral and polar, with phenylalanine, which is neutral and non-polar, at codon 111 of the GRN protein (p.Ser111Phe). This variant is present in population databases (no rsID available, gnomAD 0.002%). This variant has not been reported in the literature in individuals affected with GRN-related conditions. ClinVar contains an entry for this variant (Variation ID: 1500364). An algorithm developed to predict the effect of missense changes on protein structure and function (PolyPhen-2) suggests that this variant is likely to be disruptive. In summary, the available evidence is currently insufficient to determine the role of this variant in disease. Therefore, it has been classified as a Variant of Uncertain Significance.

CeGaT Center for Human Genetics Tuebingen
Classification: Uncertain significance. Last evaluated: 2022-03-01. Review status: criteria provided, single submitter. Criteria: CeGaT Center For Human Genetics Tuebingen Variant Classification Criteria Version 2. Collection method: clinical testing. Allele origin: germline. Affected: yes. Observed: 1 variant allele.
Comment: GRN: PM2, BP4